The following is an entry in ClinVar:

NM_000827.4(GRIA1):c.221-1G>A

Gene: GRIA1 (glutamate ionotropic receptor AMPA type subunit 1; plus strand). Cytogenetic location: 5q33.2.
Variant type: single nucleotide variant.
Coding change: c.221-1G>A on transcript NM_000827.4 (MANE Select); the canonical splice acceptor site of the intron before coding-DNA position 221, G replaced by A.
Molecular consequence: splice acceptor variant. On other transcripts: intron variant (1).
Genome position (GRCh38, 1-based): chr5:153,646,927, G>A. VCF-style: chr5-153646927-G-A. GRCh37 (hg19) VCF-style: chr5-153026487-G-A.
Other names: c.248-1G>A (NM_001364166.2); c.14-1G>A (NM_001364167.2, NM_001258023.1); c.-65-1G>A (NM_001258020.2); c.221-1G>A (NM_001114183.2, NM_001364165.2); c.221-3403G>A (NM_001258019.2); c.251-1G>A (NM_001258021.2, NM_001258022.2).
Identifiers: ClinVar variation 4279769 (VCV004279769.1).

ClinVar aggregate classification (germline): Uncertain significance (1 of 4 stars; one submission).

Conditions:
Intellectual developmental disorder, autosomal dominant 67 (MRD67). Also called: MENTAL RETARDATION, AUTOSOMAL DOMINANT 67. Identifiers: MedGen C5677006, MONDO:0030964, OMIM 619927.

Submission:

Clinical Genomics Laboratory, Washington University in St. Louis
Classification: Uncertain significance for Intellectual developmental disorder, autosomal dominant 67. Last evaluated: 2025-05-01. Review status: criteria provided, single submitter. Criteria: ACMG Guidelines, 2015. Collection method: clinical testing. Allele origin: germline.
Comment: The GRIA1 c.221-1G>A variant, to our knowledge, has not been reported in the medical literature. This variant is absent from the general population (gnomAD v.2.1.1), indicating it is not a common variant. This variant occurs within the canonical splice acceptor site and is predicted to cause exon skipping, resulting in an in-frame transcript. Additional computational predictors indicate that this variant would alter splicing due to the creation of a new acceptor site leading to an out-of-frame transcript. Due to limited information, and based on ACMG/AMP guidelines for variant interpretation (Richards S et al., PMID: 25741868), the clinical significance of this variant is uncertain at this time.